The following is an entry in ClinVar:

ClinVar aggregate classification (germline): Uncertain significance (1 of 4 stars; one submission).

Conditions:
Gillespie syndrome (GLSP). Also called: Aniridia, cerebellar ataxia, and mental deficiency; Aniridia-cerebellar ataxia-intellectual disability syndrome. Identifiers: Orphanet 1065, MedGen C0431401, MONDO:0008795, OMIM 206700.

Submission:

Dasa
Classification: Uncertain significance for aniridia-cerebellar ataxia-intellectual disability syndrome. Last evaluated: 2025-11-04. Review status: criteria provided, single submitter. Criteria: DASA Assertion Criteria. Collection method: clinical testing. Allele origin: germline.
Comment: NM_001378452.1(ITPR1):c.3578T>G (p.Leu1193Arg) is a missense variant that results in the substitution of leucine with arginine. This variant is absent from population databases. Computational prediction algorithms are consistent with a deleterious effect. The currently available literature and clinical evidence are not sufficient to establish a definitive association between this variant and the reported condition. Therefore, this variant is classified as a variant of uncertain significance.

NM_001378452.1(ITPR1):c.3578T>G (p.Leu1193Arg)

Gene: ITPR1 (inositol 1,4,5-trisphosphate receptor type 1; plus strand). Cytogenetic location: 3p26.1.
Variant type: single nucleotide variant.
Coding change: c.3578T>G on transcript NM_001378452.1 (MANE Select); coding-DNA position 3578, T replaced by G.
Protein change: p.Leu1193Arg; replaces leucine 1193 with arginine.
Molecular consequence: missense variant.
Genome position (GRCh38, 1-based): chr3:4,685,082, T>G. VCF-style: chr3-4685082-T-G. GRCh37 (hg19) VCF-style: chr3-4726766-T-G.
Other names: c.3551T>G, p.Leu1184Arg (NM_001099952.4); c.3533T>G, p.Leu1178Arg (NM_001168272.2); c.3506T>G, p.Leu1169Arg (NM_002222.7); short protein forms L1169R, L1178R, L1184R, L1193R.
Identifiers: ClinVar variation 4882102 (VCV004882102.2).
Genomic context (GRCh38, chr3:4,685,082, plus strand): 5'-AGCTATAGTTCCTAGTTTTCTGAGACTGATTTCTTTCATTCTACTAGATTTTGATTCGGC[T>G]TAGCAAACTCTGTGTTCAAGAGAGTGCCTCAGTGAGAAAGAGCAGGAAGCAGCAACAGCG-3'
Protein context (NP_001365381.1, residues 1183-1203): YRVVKEILIR[Leu1193Arg]SKLCVQESAS